The following is an entry in ClinVar:

NM_001135022.2(ELMOD3):c.715C>T (p.Arg239Cys)

Gene: ELMOD3 (ELMO domain containing 3; plus strand). Cytogenetic location: 2p11.2.
Variant type: single nucleotide variant.
Coding change: c.715C>T on transcript NM_001135022.2 (MANE Select); coding-DNA position 715, C replaced by T.
Protein change: p.Arg239Cys; replaces arginine 239 with cysteine.
Molecular consequence: missense variant. On other transcripts: non-coding transcript variant (3).
Genome position (GRCh38, 1-based): chr2:85,377,451, C>T. VCF-style: chr2-85377451-C-T. GRCh37 (hg19) VCF-style: chr2-85604574-C-T.
Other names: c.715C>T, p.Arg239Cys (NM_001135021.2, NM_001135023.2, NM_001329791.2 and 3 more transcripts); short protein forms R239C.
Identifiers: ClinVar variation 2715385 (VCV002715385.3), dbSNP rs1427110016, ClinGen allele CA347486609.

ClinVar aggregate classification (germline): Uncertain significance (1 of 4 stars; one submission).

Allele frequency attached by ClinVar (database versions not stated): gnomAD 0.00001; gnomAD exomes 0.00001; TOPMed 0.00002.
gnomAD v4.1: 21 of 1,608,644 alleles (0.0013%); highest among the groups gnomAD compares: East Asian, 0.0045%; no homozygotes.

Submission:

Labcorp Genetics (formerly Invitae), Labcorp
Classification: Uncertain significance. Last evaluated: 2023-05-30. Review status: criteria provided, single submitter. Criteria: Invitae Variant Classification Sherloc (09022015). Collection method: clinical testing. Allele origin: germline.
Comment: This sequence change replaces arginine, which is basic and polar, with cysteine, which is neutral and slightly polar, at codon 239 of the ELMOD3 protein (p.Arg239Cys). This variant is present in population databases (no rsID available, gnomAD 0.004%). This variant has not been reported in the literature in individuals affected with ELMOD3-related conditions. Advanced modeling of protein sequence and biophysical properties (such as structural, functional, and spatial information, amino acid conservation, physicochemical variation, residue mobility, and thermodynamic stability) performed at Invitae indicates that this missense variant is not expected to disrupt ELMOD3 protein function. In summary, the available evidence is currently insufficient to determine the role of this variant in disease. Therefore, it has been classified as a Variant of Uncertain Significance.